The following is an entry in ClinVar:

ClinVar aggregate classification (germline): Pathogenic (1 of 4 stars; one submission).

Conditions:
Vici syndrome (VICIS). Identifiers: Orphanet 1493, MedGen C1855772, MONDO:0009452, OMIM 242840.

Submission:

Labcorp Genetics (formerly Invitae), Labcorp
Classification: Pathogenic for Vici syndrome. Last evaluated: 2024-02-01. Review status: criteria provided, single submitter. Criteria: Invitae Variant Classification Sherloc (09022015). Collection method: clinical testing. Allele origin: germline.
Comment: This sequence change creates a premature translational stop signal (p.Leu2003Serfs*30) in the EPG5 gene. It is expected to result in an absent or disrupted protein product. Loss-of-function variants in EPG5 are known to be pathogenic (PMID: 23222957, 23674064). This variant is not present in population databases (gnomAD no frequency). This premature translational stop signal has been observed in individual(s) with Vici syndrome (PMID: 23222957). Algorithms developed to predict the effect of sequence changes on RNA splicing suggest that this variant may disrupt the consensus splice site. For these reasons, this variant has been classified as Pathogenic.

Literature cited by the submitters: PubMed 23222957; PubMed 23674064.

NM_020964.3(EPG5):c.6005_6006dup (p.Leu2003fs)

Gene: EPG5 (ectopic P-granules 5 autophagy tethering factor; minus strand). Cytogenetic location: 18q12.3.
Variant type: Duplication.
Coding change: c.6005_6006dup on transcript NM_020964.3 (MANE Select); coding-DNA positions 6005 to 6006, 2 bases duplicated (AG; older notation c.6005_6006dupAG).
Protein change: p.Leu2003fs; shifts the reading frame from leucine 2003.
Molecular consequence: frameshift variant.
Genome position (GRCh38, 1-based): chr18:45,876,279-45,876,280, CT duplicated on the plus strand (AG on the coding strand, the reverse complement: EPG5 is on the minus strand). VCF-style (leftmost placement, unchanged base first): chr18-45876278-G-GCT. GRCh37 (hg19) VCF-style: chr18-43456243-G-GCT.
Other names: c.6005_6006dup, p.Leu2003fs (NM_001410858.1); c.6002_6003dup, p.Leu2002fs (NM_001410859.1); short protein forms L2002fs, L2003fs.
Identifiers: ClinVar variation 3723129 (VCV003723129.2).